The following is an entry in ClinVar:

NM_001401501.2(MUC16):c.38190C>A (p.Pro12730=)

Gene: MUC16 (mucin 16, cell surface associated; minus strand). Cytogenetic location: 19p13.2.
Variant type: single nucleotide variant.
Coding change: c.38190C>A on transcript NM_001401501.2 (MANE Select); coding-DNA position 38190, C replaced by A.
Protein change: p.Pro12730=; no amino-acid change (proline 12730 retained).
Molecular consequence: synonymous variant.
Genome position (GRCh38, 1-based): chr19:8,906,315, G>T on the plus strand (C>A on the coding strand, the complement: MUC16 is on the minus strand). VCF-style: chr19-8906315-G-T. GRCh37 (hg19) VCF-style: chr19-9016991-G-T.
Other names: c.38616C>A, p.Pro12872= (NM_001414686.1); c.38070C>A, p.Pro12690= (NM_001414687.1); c.38004C>A, p.Pro12668= (NM_024690.2).
Identifiers: ClinVar variation 3037374 (VCV003037374.2), dbSNP rs376446657, ClinGen allele CA505285174.

ClinVar aggregate classification (germline): Likely benign (0 of 4 stars; one submission).

Conditions:
MUC16-related disorder. Also called: MUC16-related condition.

Submission:

PreventionGenetics, part of Exact Sciences
Classification: Likely benign for MUC16-related condition. Last evaluated: 2019-09-26. Review status: no assertion criteria provided. Collection method: clinical testing. Allele origin: germline.
Comment: This variant is classified as likely benign based on ACMG/AMP sequence variant interpretation guidelines (Richards et al. 2015 PMID: 25741868, with internal and published modifications).